The following is an entry in ClinVar:

ClinVar aggregate classification (germline): Uncertain significance (1 of 4 stars; one submission).

Conditions:
Hereditary cancer-predisposing syndrome. Also called: Hereditary Cancer Syndrome; Hereditary neoplastic syndrome; Neoplastic Syndromes, Hereditary; Tumor predisposition. Identifiers: Orphanet 140162, MedGen C0027672, MeSH D009386, MONDO:0015356.

Submission:

Ambry Genetics
Classification: Uncertain significance for Hereditary cancer-predisposing syndrome. Last evaluated: 2020-11-06. Review status: criteria provided, single submitter. Criteria: Ambry Variant Classification Scheme 2023. Collection method: clinical testing. Allele origin: germline.
Comment: The p.T1455P variant (also known as c.4363A>C), located in coding exon 30 of the SMARCA4 gene, results from an A to C substitution at nucleotide position 4363. The threonine at codon 1455 is replaced by proline, an amino acid with highly similar properties. This amino acid position is well conserved in available vertebrate species. In addition, this alteration is predicted to be tolerated by in silico analysis. Since supporting evidence is limited at this time, the clinical significance of this alteration remains unclear.

NM_003072.5(SMARCA4):c.4267A>C (p.Thr1423Pro)

Gene: SMARCA4 (SWI/SNF related BAF chromatin remodeling complex subunit ATPase 4; plus strand). Cytogenetic location: 19p13.2.
Variant type: single nucleotide variant.
Coding change: c.4267A>C on transcript NM_003072.5 (MANE Select); coding-DNA position 4267, A replaced by C.
Protein change: p.Thr1423Pro; replaces threonine 1423 with proline.
Molecular consequence: missense variant. On other transcripts: non-coding transcript variant (1).
Genome position (GRCh38, 1-based): chr19:11,041,403, A>C. VCF-style: chr19-11041403-A-C. GRCh37 (hg19) VCF-style: chr19-11152079-A-C.
Other names: c.4267A>C, p.Thr1423Pro (NM_001128844.3); c.4177A>C, p.Thr1393Pro (NM_001128845.2, NM_001128846.2); c.4168A>C, p.Thr1390Pro (NM_001128847.4, NM_001128848.2, NM_001374457.1); c.4363A>C, p.Thr1455Pro (NM_001128849.3, NM_001387283.1); c.4264A>C, p.Thr1422Pro (NM_001411150.1); short protein forms T1390P, T1422P, T1423P, T1393P, T1455P.
Identifiers: ClinVar variation 1740028 (VCV001740028.2), dbSNP rs1258849439, ClinGen allele CA404073404.
Genomic context (GRCh38, chr19:11,041,403, plus strand): 5'-GAGGTCCGGCAGAAGAAATCATCACGGAAGCGCAAGCGAGACAGCGACGCCGGCTCCTCC[A>C]CCCCGACCACCAGCACCCGCAGCCGCGACAAGGACGACGAGAGCAAGAAGCAGAAGAAGC-3'
Protein context (NP_003063.2, residues 1413-1433): RKRDSDAGSS[Thr1423Pro]PTTSTRSRDK